The following is an entry in ClinVar:

NM_021267.5(CERS1):c.518G>A (p.Arg173His)

Genes: CERS1 (ceramide synthase 1; minus strand), GDF1 (growth differentiation factor 1; minus strand). Cytogenetic location: 19p13.11.
Variant type: single nucleotide variant.
Coding change: c.518G>A on transcript NM_021267.5 (MANE Select); coding-DNA position 518, G replaced by A.
Protein change: p.Arg173His; replaces arginine 173 with histidine.
Molecular consequence: missense variant. On other transcripts: 5 prime UTR variant (2).
Genome position (GRCh38, 1-based): chr19:18,884,159, C>T on the plus strand (G>A on the coding strand, the complement: CERS1 is on the minus strand). VCF-style: chr19-18884159-C-T. GRCh37 (hg19) VCF-style: chr19-18994968-C-T.
Other names: c.224G>A, p.Arg75His (NM_001290265.2, NM_001387442.1, NM_001387443.1 and 2 more transcripts); c.518G>A, p.Arg173His (NM_001387439.1, NM_001387440.1, NM_001387441.1 and 1 more transcripts); c.-385G>A (NM_001387438.1); c.-805G>A (NM_001492.6); short protein forms R173H, R75H.
Identifiers: ClinVar variation 2154776 (VCV002154776.4), dbSNP rs201631527, ClinGen allele CA9318246.

ClinVar aggregate classification (germline): Uncertain significance (1 of 4 stars; one submission).

Conditions:
Progressive myoclonic epilepsy type 8. Identifiers: Orphanet 424027, MedGen C5190825, MONDO:0014545, OMIM 616230.

Allele frequency attached by ClinVar (database versions not stated): 1000 Genomes Project 0.00020; gnomAD 0.00003; 1000 Genomes Project 30x 0.00016.
gnomAD v4.1: 24 of 1,613,696 alleles (0.0015%); highest among the groups gnomAD compares: Non-Finnish European, 0.0015%; no homozygotes.

Submission:

Labcorp Genetics (formerly Invitae), Labcorp
Classification: Uncertain significance for Progressive myoclonic epilepsy type 8. Last evaluated: 2024-04-08. Review status: criteria provided, single submitter. Criteria: Invitae Variant Classification Sherloc (09022015). Collection method: clinical testing. Allele origin: germline.
Comment: This sequence change replaces arginine, which is basic and polar, with histidine, which is basic and polar, at codon 173 of the CERS1 protein (p.Arg173His). This variant is present in population databases (rs201631527, gnomAD 0.005%). This variant has not been reported in the literature in individuals affected with CERS1-related conditions. ClinVar contains an entry for this variant (Variation ID: 2154776). Advanced modeling of protein sequence and biophysical properties (such as structural, functional, and spatial information, amino acid conservation, physicochemical variation, residue mobility, and thermodynamic stability) performed at Invitae indicates that this missense variant is expected to disrupt CERS1 protein function with a positive predictive value of 80%. In summary, the available evidence is currently insufficient to determine the role of this variant in disease. Therefore, it has been classified as a Variant of Uncertain Significance.